The following is an entry in ClinVar:

NM_001098.3(ACO2):c.715_716del (p.Ser239fs)

Gene: ACO2 (aconitase 2; plus strand). Cytogenetic location: 22q13.2.
Variant type: Microsatellite.
Coding change: c.715_716del on transcript NM_001098.3 (MANE Select); coding-DNA positions 715 to 716, 2 bases deleted (TC; older notation c.715_716delTC).
Protein change: p.Ser239fs; shifts the reading frame from serine 239.
Molecular consequence: frameshift variant.
Genome position (GRCh38, 1-based): chr22:41,515,797-41,515,798, TC deleted; deleting any 2 consecutive bases within chr22:41,515,790-41,515,798 gives the same sequence; the c. name uses the placement nearest the transcript's 3' end. VCF-style (leftmost placement, unchanged base first): chr22-41515789-GCT-G. GRCh37 (hg19) VCF-style: chr22-41911793-GCT-G.
Other names: short protein forms S239fs.
Identifiers: ClinVar variation 850213 (VCV000850213.10), dbSNP rs2066471565, ClinGen allele CA916083825.

ClinVar aggregate classification (germline): Pathogenic/Likely pathogenic. Review status: criteria provided, multiple submitters, no conflicts (2 of 4 stars). 2 submissions from 2 submitters: Pathogenic (1); Likely pathogenic (1). Last evaluated 2024-10-15.

Conditions:
ACO2-related disorder. Also called: ACO2-Related Disorders.

Submissions (2):

Labcorp Genetics (formerly Invitae), Labcorp
Classification: Pathogenic. Last evaluated: 2024-10-15. Review status: criteria provided, single submitter. Criteria: Invitae Variant Classification Sherloc (09022015). Collection method: clinical testing. Allele origin: germline.
Comment: This sequence change creates a premature translational stop signal (p.Ser239Argfs*81) in the ACO2 gene. It is expected to result in an absent or disrupted protein product. Loss-of-function variants in ACO2 are known to be pathogenic (PMID: 30689204, 32519519). This variant is not present in population databases (gnomAD no frequency). This variant has not been reported in the literature in individuals affected with ACO2-related conditions. ClinVar contains an entry for this variant (Variation ID: 850213). For these reasons, this variant has been classified as Pathogenic.

Blueprint Genetics
Classification: Likely pathogenic for ACO2-related disorders. Last evaluated: 2024-05-23. Review status: criteria provided, single submitter. Criteria: ACMG Guidelines, 2015. Collection method: clinical testing. Allele origin: germline. Affected: yes. Observed: 1 variant allele.

Literature cited by the submitters: PubMed 30689204 (cited by Labcorp Genetics (formerly Invitae), Labcorp); PubMed 32519519 (cited by Labcorp Genetics (formerly Invitae), Labcorp).